The following is an entry in ClinVar:

NM_024298.5(MBOAT7):c.1348G>A (p.Gly450Ser)

Gene: MBOAT7 (membrane bound acylglycerophosphatidylinositol O-acyltransferase MBOAT7; minus strand). Cytogenetic location: 19q13.42.
Variant type: single nucleotide variant.
Coding change: c.1348G>A on transcript NM_024298.5 (MANE Select); coding-DNA position 1348, G replaced by A.
Protein change: p.Gly450Ser; replaces glycine 450 with serine.
Molecular consequence: missense variant.
Genome position (GRCh38, 1-based): chr19:54,174,115, C>T on the plus strand (G>A on the coding strand, the complement: MBOAT7 is on the minus strand). VCF-style: chr19-54174115-C-T. GRCh37 (hg19) VCF-style: chr19-54677809-C-T.
Other names: c.1129G>A, p.Gly377Ser (NM_001146056.3, NM_001146083.3); short protein forms G377S, G450S.
Identifiers: ClinVar variation 3390068 (VCV003390068.14).
Genomic context (GRCh38, chr19:54,174,115, plus strand): 5'-GGAGCTTCTCCGGGGCAAGGCTGGTGGGCTGGGATGCTGCCTTCCGCCGGCTGGGGCTGC[C>T]CCCACCTAAAGCCAGCCCCAGCCCCAGGGCTGCCAGGGCCAGGAAGTGGATACAGAAGTA-3'
Protein context (NP_077274.3, residues 440-460): ALGLGLALGG[Gly450Ser]SPSRRKAASQ

ClinVar aggregate classification (germline): Uncertain significance (1 of 4 stars; one submission).

gnomAD v4.1: 1 of 1,605,988 alleles (0.000062%); highest among the groups gnomAD compares: South Asian, 0.0011%; no homozygotes.

Submission:

CeGaT Center for Human Genetics Tuebingen
Classification: Uncertain significance. Last evaluated: 2024-11-01. Review status: criteria provided, single submitter. Criteria: CeGaT Center For Human Genetics Tuebingen Variant Classification Criteria Version 2. Collection method: clinical testing. Allele origin: germline. Affected: yes. Observed: 1 variant allele.
Comment: MBOAT7: PM2, BP4